The following is an entry in ClinVar:

ClinVar aggregate classification (germline): Pathogenic/Likely pathogenic. Review status: criteria provided, multiple submitters, no conflicts (2 of 4 stars). 2 submissions from 2 submitters: Pathogenic (1); Likely pathogenic (1). Last evaluated 2026-06-03.

Conditions:
Inborn genetic diseases. Identifiers: MedGen C0950123, MeSH D030342.

Submissions (2):

Ambry Genetics
Classification: Pathogenic for Inborn genetic diseases. Last evaluated: 2026-06-03. Review status: criteria provided, single submitter. Criteria: Ambry Variant Classification Scheme 2023. Collection method: clinical testing. Allele origin: germline.
Comment: The c.759C>G (p.Y253*) alteration, located in exon 3 (coding exon 3) of the SHH gene, consists of a C to G substitution at nucleotide position 759. This changes the amino acid from a tyrosine (Y) to a stop codon at amino acid position 253. This variant is not expected to trigger nonsense-mediated mRNA decay and impacts the last 45% of the protein. However, premature stop codons are typically deleterious in nature, the impacted region is critical for protein function, and a significant portion of the protein is affected (Ambry internal data). This variant was not reported in population-based cohorts in the Genome Aggregation Database (gnomAD). Based on the available evidence, this alteration is classified as pathogenic.

GeneDx
Classification: Likely pathogenic. Last evaluated: 2025-09-16. Review status: criteria provided, single submitter. Criteria: GeneDx Variant Classification Process June 2021. Collection method: clinical testing. Allele origin: germline.
Comment: Nonsense variant predicted to result in protein truncation, as the last 210 amino acid(s) are lost, and other loss-of-function variants have been reported downstream in HGMD; Not observed at significant frequency in large population cohorts (gnomAD); Has not been previously published as pathogenic or benign to our knowledge

NM_000193.4(SHH):c.759C>G (p.Tyr253Ter)

Gene: SHH (sonic hedgehog signaling molecule; minus strand). Cytogenetic location: 7q36.3.
Variant type: single nucleotide variant.
Coding change: c.759C>G on transcript NM_000193.4 (MANE Select); coding-DNA position 759, C replaced by G.
Protein change: p.Tyr253Ter; replaces tyrosine 253 with a stop codon.
Molecular consequence: nonsense. On other transcripts: intron variant (1).
Genome position (GRCh38, 1-based): chr7:155,803,530, G>C on the plus strand (C>G on the coding strand, the complement: SHH is on the minus strand). VCF-style: chr7-155803530-G-C. GRCh37 (hg19) VCF-style: chr7-155596224-G-C.
Other names: c.301+2766C>G (NM_001310462.2); short protein forms Y253*.
Identifiers: ClinVar variation 2499186 (VCV002499186.3), dbSNP rs2535894151, ClinGen allele CA370146136.